The following is an entry in ClinVar:

ClinVar aggregate classification (germline): Uncertain significance (1 of 4 stars; one submission).

Conditions:
Heterotaxy, visceral, 4, autosomal (HTX4). Identifiers: Orphanet 450, MedGen C3151057, MONDO:0013403, OMIM 613751.

Allele frequency attached by ClinVar (database versions not stated): gnomAD exomes below 0.00001.

Submission:

Labcorp Genetics (formerly Invitae), Labcorp
Classification: Uncertain significance for Heterotaxy, visceral, 4, autosomal. Last evaluated: 2022-10-21. Review status: criteria provided, single submitter. Criteria: Invitae Variant Classification Sherloc (09022015). Collection method: clinical testing. Allele origin: germline.
Comment: This variant has not been reported in the literature in individuals affected with ACVR2B-related conditions. This sequence change replaces proline, which is neutral and non-polar, with leucine, which is neutral and non-polar, at codon 181 of the ACVR2B protein (p.Pro181Leu). This variant is not present in population databases (gnomAD no frequency). Advanced modeling of protein sequence and biophysical properties (such as structural, functional, and spatial information, amino acid conservation, physicochemical variation, residue mobility, and thermodynamic stability) performed at Invitae indicates that this missense variant is not expected to disrupt ACVR2B protein function. In summary, the available evidence is currently insufficient to determine the role of this variant in disease. Therefore, it has been classified as a Variant of Uncertain Significance.

NM_001106.4(ACVR2B):c.542C>T (p.Pro181Leu)

Gene: ACVR2B (activin A receptor type 2B; plus strand). Cytogenetic location: 3p22.2.
Variant type: single nucleotide variant.
Coding change: c.542C>T on transcript NM_001106.4 (MANE Select); coding-DNA position 542, C replaced by T.
Protein change: p.Pro181Leu; replaces proline 181 with leucine.
Molecular consequence: missense variant.
Genome position (GRCh38, 1-based): chr3:38,478,394, C>T. VCF-style: chr3-38478394-C-T. GRCh37 (hg19) VCF-style: chr3-38519885-C-T.
Other names: short protein forms P181L.
Identifiers: ClinVar variation 2170414 (VCV002170414.4), dbSNP rs1575587866, ClinGen allele CA352130136.
Genomic context (GRCh38, chr3:38,478,394, plus strand): 5'-GGAGGACAGGCCAGACCTTTTTAAGCCTTGCTCTCCCCCAGGACCCTGGGCCTCCACCAC[C>T]ATCCCCTCTGGTGGGCCTGAAGCCACTGCAGCTGCTGGAGATCAAGGCTCGGGGGCGCTT-3'
Protein context (NP_001097.2, residues 171-191): DIHEDPGPPP[Pro181Leu]SPLVGLKPLQ